The following is an entry in ClinVar:

NM_032436.4(CHAMP1):c.1891C>T (p.Leu631Phe)

Gene: CHAMP1 (chromosome alignment maintaining phosphoprotein 1; plus strand). Cytogenetic location: 13q34.
Variant type: single nucleotide variant.
Coding change: c.1891C>T on transcript NM_032436.4 (MANE Select); coding-DNA position 1891, C replaced by T.
Protein change: p.Leu631Phe; replaces leucine 631 with phenylalanine.
Molecular consequence: missense variant.
Genome position (GRCh38, 1-based): chr13:114,325,733, C>T. VCF-style: chr13-114325733-C-T. GRCh37 (hg19) VCF-style: chr13-115091208-C-T.
Other names: c.1891C>T, p.Leu631Phe (NM_001164144.3, NM_001164145.3); c.1891C>T (NM_032436.2); short protein forms L631F.
Identifiers: ClinVar variation 2672553 (VCV002672553.24), dbSNP rs369080498, ClinGen allele CA7070907.

ClinVar aggregate classification (germline): Likely benign. Review status: criteria provided, multiple submitters, no conflicts (2 of 4 stars). 2 submissions from 2 submitters: Likely benign (2). Last evaluated 2024-01-22.

Conditions:
Inborn genetic diseases. Identifiers: MedGen C0950123, MeSH D030342.

Allele frequency attached by ClinVar (database versions not stated): gnomAD 0.00001; gnomAD exomes 0.00001; TOPMed 0.00001; ExAC 0.00002; ESP Exome Variant Server 0.00008.
gnomAD v4.1: 22 of 1,614,022 alleles (0.0014%); highest among the groups gnomAD compares: Non-Finnish European, 0.0018%; no homozygotes.

Submissions (2):

Ambry Genetics
Classification: Likely benign for Inborn genetic diseases. Last evaluated: 2024-01-22. Review status: criteria provided, single submitter. Criteria: Ambry Variant Classification Scheme 2023. Collection method: clinical testing. Allele origin: germline.

CeGaT Center for Human Genetics Tuebingen
Classification: Likely benign. Last evaluated: 2023-11-01. Review status: criteria provided, single submitter. Criteria: CeGaT Center For Human Genetics Tuebingen Variant Classification Criteria Version 2. Collection method: clinical testing. Allele origin: germline. Affected: yes. Observed: 1 variant allele.
Comment: CHAMP1: BP1, BP4, BS2